The following is an entry in ClinVar:

ClinVar aggregate classification (germline): Uncertain significance (1 of 4 stars; one submission).

Conditions:
RASopathy. Also called: rasopathies; Noonan spectrum disorder. Identifiers: Orphanet 536391, MedGen C5555857, MONDO:0021060.

Submission:

Labcorp Genetics (formerly Invitae), Labcorp
Classification: Uncertain significance for RASopathy. Last evaluated: 2022-08-16. Review status: criteria provided, single submitter. Criteria: Invitae Variant Classification Sherloc (09022015). Collection method: clinical testing. Allele origin: germline.
Comment: In summary, the available evidence is currently insufficient to determine the role of this variant in disease. Therefore, it has been classified as a Variant of Uncertain Significance. This sequence change replaces threonine, which is neutral and polar, with isoleucine, which is neutral and non-polar, at codon 507 of the SHOC2 protein (p.Thr507Ile). This variant is not present in population databases (gnomAD no frequency). This variant has not been reported in the literature in individuals affected with SHOC2-related conditions. ClinVar contains an entry for this variant (Variation ID: 1500006). Algorithms developed to predict the effect of missense changes on protein structure and function (SIFT, PolyPhen-2, Align-GVGD) all suggest that this variant is likely to be tolerated.

NM_007373.4(SHOC2):c.1520C>T (p.Thr507Ile)

Gene: SHOC2 (SHOC2 leucine rich repeat scaffold protein; plus strand). Cytogenetic location: 10q25.2.
Variant type: single nucleotide variant.
Coding change: c.1520C>T on transcript NM_007373.4 (MANE Select); coding-DNA position 1520, C replaced by T.
Protein change: p.Thr507Ile; replaces threonine 507 with isoleucine.
Molecular consequence: missense variant. On other transcripts: non-coding transcript variant (1).
Genome position (GRCh38, 1-based): chr10:111,009,810, C>T. VCF-style: chr10-111009810-C-T. GRCh37 (hg19) VCF-style: chr10-112769568-C-T.
Other names: c.1382C>T, p.Thr461Ile (NM_001269039.3); c.1520C>T, p.Thr507Ile (NM_001324336.2, NM_001324337.2); short protein forms T461I, T507I.
Identifiers: ClinVar variation 1500006 (VCV001500006.6), dbSNP rs2134180790, ClinGen allele CA378524867.